The following is an entry in ClinVar:

NM_000218.3(KCNQ1):c.1730C>G (p.Ser577Ter)

Gene: KCNQ1 (potassium voltage-gated channel subfamily Q member 1; plus strand). Cytogenetic location: 11p15.5.
Variant type: single nucleotide variant.
Coding change: c.1730C>G on transcript NM_000218.3 (MANE Select); coding-DNA position 1730, C replaced by G.
Protein change: p.Ser577Ter; replaces serine 577 with a stop codon.
Molecular consequence: nonsense.
Genome position (GRCh38, 1-based): chr11:2,777,030, C>G. VCF-style: chr11-2777030-C-G. GRCh37 (hg19) VCF-style: chr11-2798260-C-G.
Other names: c.1634C>G, p.Ser545Ter (NM_001406836.1); c.1460C>G, p.Ser487Ter (NM_001406837.1); c.1190C>G, p.Ser397Ter (NM_001406838.1); c.1349C>G, p.Ser450Ter (NM_181798.2); short protein forms S450*, S577*, S397*, S545*, S487*.
Identifiers: ClinVar variation 1069232 (VCV001069232.11), dbSNP rs2133990821, ClinGen allele CA379139345.

ClinVar aggregate classification (germline): Pathogenic/Likely pathogenic. Review status: criteria provided, multiple submitters, no conflicts (2 of 4 stars). 2 submissions from 2 submitters: Pathogenic (1); Likely pathogenic (1). Last evaluated 2025-09-08.

Conditions:
Long QT syndrome (LQTS). Identifiers: MedGen C0023976, MeSH D008133, MONDO:0002442. Disease mechanism: loss of function. Inheritance: Various modes of inheritance.

Submissions (2):

Labcorp Genetics (formerly Invitae), Labcorp
Classification: Pathogenic for Long QT syndrome. Last evaluated: 2025-09-08. Review status: criteria provided, single submitter. Criteria: Invitae Variant Classification Sherloc (09022015). Collection method: clinical testing. Allele origin: germline.
Comment: This sequence change creates a premature translational stop signal (p.Ser577*) in the KCNQ1 gene. It is expected to result in an absent or disrupted protein product. Loss-of-function variants in KCNQ1 are known to be pathogenic (PMID: 9323054, 19862833). This variant is not present in population databases (gnomAD no frequency). This variant has not been reported in the literature in individuals affected with KCNQ1-related conditions. ClinVar contains an entry for this variant (Variation ID: 1069232). For these reasons, this variant has been classified as Pathogenic.

GeneDx
Classification: Likely pathogenic. Last evaluated: 2023-12-03. Review status: criteria provided, single submitter. Criteria: GeneDx Variant Classification Process June 2021. Collection method: clinical testing. Allele origin: germline. Affected: yes.
Comment: Has not been previously published as pathogenic or benign to our knowledge; Not observed in large population cohorts (gnomAD); Nonsense variant predicted to result in protein truncation or nonsense mediated decay in a gene for which loss of function is a known mechanism of disease

Literature cited by the submitters: PubMed 9323054 (cited by Labcorp Genetics (formerly Invitae), Labcorp); PubMed 19862833 (cited by Labcorp Genetics (formerly Invitae), Labcorp).